The following is an entry in ClinVar:

ClinVar aggregate classification (germline): Likely benign. Review status: criteria provided, single submitter (1 of 4 stars). 2 submissions from 2 submitters: Likely benign (1). 1 of the submissions does not count toward it. Last evaluated 2018-04-03.

Conditions:
GRPR-related disorder. Also called: GRPR-related condition.

Allele frequency attached by ClinVar (database versions not stated): ESP Exome Variant Server 0.00095; TOPMed 0.00061; 1000 Genomes Project 0.00132; gnomAD exomes 0.00068 and 0.00088; gnomAD 0.00052 and 0.00067; ExAC 0.00095; 1000 Genomes Project 30x 0.00125.
gnomAD v4.1: 817 of 1,207,272 alleles (0.068%); highest among the groups gnomAD compares: Middle Eastern, 0.25%; 2 homozygotes.

Submissions (2):

Labcorp Genetics (formerly Invitae), Labcorp
Classification: Likely benign. Last evaluated: 2018-04-03. Review status: criteria provided, single submitter. Criteria: Invitae Variant Classification Sherloc (09022015). Collection method: clinical testing. Allele origin: germline.

PreventionGenetics, part of Exact Sciences
Classification: Likely benign for GRPR-related condition. Last evaluated: 2023-04-20. Review status: no assertion criteria provided. Collection method: clinical testing. Allele origin: germline. Not counted in ClinVar's aggregate classification.
Comment: This variant is classified as likely benign based on ACMG/AMP sequence variant interpretation guidelines (Richards et al. 2015 PMID: 25741868, with internal and published modifications).

NM_005314.3(GRPR):c.17G>C (p.Cys6Ser)

Gene: GRPR (gastrin releasing peptide receptor; plus strand). Cytogenetic location: Xp22.2.
Variant type: single nucleotide variant.
Coding change: c.17G>C on transcript NM_005314.3 (MANE Select); coding-DNA position 17, G replaced by C.
Protein change: p.Cys6Ser; replaces cysteine 6 with serine.
Molecular consequence: missense variant.
Genome position (GRCh38, 1-based): chrX:16,123,970, G>C. VCF-style: chrX-16123970-G-C. GRCh37 (hg19) VCF-style: chrX-16142093-G-C.
Other names: short protein forms C6S.
Identifiers: ClinVar variation 721453 (VCV000721453.5), dbSNP rs75623611, ClinGen allele CA10356496.